The following is an entry in ClinVar:

ClinVar aggregate classification (germline): Uncertain significance (1 of 4 stars; one submission).

Conditions:
KIDINS220-related disorder. Also called: KIDINS220-related condition.

Submission:

PreventionGenetics, part of Exact Sciences
Classification: Uncertain significance for KIDINS220-related condition. Last evaluated: 2025-09-23. Review status: criteria provided, single submitter. Criteria: ACMG Guidelines, 2015. Collection method: clinical testing. Allele origin: germline.
Comment: The KIDINS220 c.4490C>G variant is predicted to result in the amino acid substitution p.Ser1497Cys. To our knowledge, this variant has not been reported in the literature. This variant is reported in 0.011% of alleles in individuals of African descent in gnomAD. At this time, the clinical significance of this variant is uncertain due to the absence of conclusive functional and genetic evidence.

NM_020738.4(KIDINS220):c.4490C>G (p.Ser1497Cys)

Gene: KIDINS220 (kinase D interacting substrate 220; minus strand). Cytogenetic location: 2p25.1.
Variant type: single nucleotide variant.
Coding change: c.4490C>G on transcript NM_020738.4 (MANE Select); coding-DNA position 4490, C replaced by G.
Protein change: p.Ser1497Cys; replaces serine 1497 with cysteine.
Molecular consequence: missense variant. On other transcripts: intron variant (6).
Genome position (GRCh38, 1-based): chr2:8,731,546, G>C on the plus strand (C>G on the coding strand, the complement: KIDINS220 is on the minus strand). VCF-style: chr2-8731546-G-C. GRCh37 (hg19) VCF-style: chr2-8871676-G-C.
Other names: c.4493C>G, p.Ser1498Cys (NM_001348729.2); c.4436C>G, p.Ser1479Cys (NM_001348731.2); c.4433C>G, p.Ser1478Cys (NM_001348732.2); c.4322C>G, p.Ser1441Cys (NM_001348734.2); c.4319C>G, p.Ser1440Cys (NM_001348735.2); c.4193C>G, p.Ser1398Cys (NM_001348736.2); c.3882+1898C>G (NM_001348741.2, NM_001348742.2, NM_001348743.2); c.3996+1898C>G (NM_001348738.2); and 1 more; short protein forms S1398C, S1479C, S1440C, S1441C, S1478C, S1497C, S1498C.
Identifiers: ClinVar variation 4991808 (VCV004991808.1).